The following is an entry in ClinVar:

NM_002335.4(LRP5):c.272A>G (p.Tyr91Cys)

Gene: LRP5 (LDL receptor related protein 5; plus strand). Cytogenetic location: 11q13.2.
Variant type: single nucleotide variant.
Coding change: c.272A>G on transcript NM_002335.4 (MANE Select); coding-DNA position 272, A replaced by G.
Protein change: p.Tyr91Cys; replaces tyrosine 91 with cysteine.
Molecular consequence: missense variant. On other transcripts: 5 prime UTR variant (1).
Genome position (GRCh38, 1-based): chr11:68,348,027, A>G. VCF-style: chr11-68348027-A-G. GRCh37 (hg19) VCF-style: chr11-68115495-A-G.
Other names: c.-1494A>G (NM_001291902.2); short protein forms Y91C.
Identifiers: ClinVar variation 2777118 (VCV002777118.3), dbSNP rs1241618923, ClinGen allele CA381610427.

ClinVar aggregate classification (germline): Uncertain significance (1 of 4 stars; one submission).

Allele frequency attached by ClinVar (database versions not stated): gnomAD exomes below 0.00001.
gnomAD v4.1: 1 of 1,614,082 alleles (0.000062%); highest among the groups gnomAD compares: Non-Finnish European, 0.000085%; no homozygotes.

Submission:

Labcorp Genetics (formerly Invitae), Labcorp
Classification: Uncertain significance. Last evaluated: 2023-02-11. Review status: criteria provided, single submitter. Criteria: Invitae Variant Classification Sherloc (09022015). Collection method: clinical testing. Allele origin: germline.
Comment: In summary, the available evidence is currently insufficient to determine the role of this variant in disease. Therefore, it has been classified as a Variant of Uncertain Significance. Algorithms developed to predict the effect of missense changes on protein structure and function (SIFT, PolyPhen-2, Align-GVGD) all suggest that this variant is likely to be disruptive. This variant has not been reported in the literature in individuals affected with LRP5-related conditions. This variant is present in population databases (no rsID available, gnomAD 0.0009%). This sequence change replaces tyrosine, which is neutral and polar, with cysteine, which is neutral and slightly polar, at codon 91 of the LRP5 protein (p.Tyr91Cys).